The following is an entry in ClinVar:

NM_001035.3(RYR2):c.8383G>A (p.Gly2795Arg)

Gene: RYR2 (ryanodine receptor 2; plus strand). Cytogenetic location: 1q43.
Variant type: single nucleotide variant.
Coding change: c.8383G>A on transcript NM_001035.3 (MANE Select); coding-DNA position 8383, G replaced by A.
Protein change: p.Gly2795Arg; replaces glycine 2795 with arginine.
Molecular consequence: missense variant.
Genome position (GRCh38, 1-based): chr1:237,660,894, G>A. VCF-style: chr1-237660894-G-A. GRCh37 (hg19) VCF-style: chr1-237824194-G-A.
Other names: short protein forms G2795R.
Identifiers: ClinVar variation 2640121 (VCV002640121.24), dbSNP rs2547120983, ClinGen allele CA345401910.

ClinVar aggregate classification (germline): Uncertain significance (1 of 4 stars; one submission).

gnomAD v4.1: 1 of 1,535,606 alleles (0.000065%); highest among the groups gnomAD compares: Non-Finnish European, 0.000088%; no homozygotes.

Submission:

CeGaT Center for Human Genetics Tuebingen
Classification: Uncertain significance. Last evaluated: 2023-06-01. Review status: criteria provided, single submitter. Criteria: CeGaT Center For Human Genetics Tuebingen Variant Classification Criteria Version 2. Collection method: clinical testing. Allele origin: germline. Affected: yes. Observed: 1 variant allele.
Comment: RYR2: PM2, PP3